The following is an entry in ClinVar:

NM_001378418.1(TCF20):c.4066G>T (p.Val1356Phe)

Gene: TCF20 (transcription factor 20; minus strand). Cytogenetic location: 22q13.2.
Variant type: single nucleotide variant.
Coding change: c.4066G>T on transcript NM_001378418.1 (MANE Select); coding-DNA position 4066, G replaced by T.
Protein change: p.Val1356Phe; replaces valine 1356 with phenylalanine.
Molecular consequence: missense variant.
Genome position (GRCh38, 1-based): chr22:42,211,240, C>A on the plus strand (G>T on the coding strand, the complement: TCF20 is on the minus strand). VCF-style: chr22-42211240-C-A. GRCh37 (hg19) VCF-style: chr22-42607246-C-A.
Other names: c.4066G>T, p.Val1356Phe (NM_005650.4, NM_181492.3); short protein forms V1356F.
Identifiers: ClinVar variation 3382530 (VCV003382530.2).

ClinVar aggregate classification (germline): Uncertain significance (1 of 4 stars; one submission).

Conditions:
Developmental delay with variable intellectual impairment and behavioral abnormalities. Identifiers: MedGen C5193092, MONDO:0032745, OMIM 618430.

Submission:

Juno Genomics, Hangzhou Juno Genomics, Inc
Classification: Uncertain significance for Developmental delay with variable intellectual impairment and behavioral abnormalities. Review status: criteria provided, single submitter. Criteria: ACMG Guidelines, 2015. Collection method: clinical testing. Allele origin: germline. Affected: yes.
Comment: Absent from controls (or at extremely low frequency if recessive) in Genome Aggregation Database, Exome Sequencing Project, 1000 Genomes Project, or Exome Aggregation Consortium.;De novo (both maternity and paternity confirmed) in a patient with the disease and no family history.;Patient's phenotype or family history is highly specific for a disease with a single genetic etiology.